The following is an entry in ClinVar:

ClinVar aggregate classification (germline): Uncertain significance (1 of 4 stars; one submission).

gnomAD v4.1: 2 of 1,614,058 alleles (0.00012%); highest among the groups gnomAD compares: Middle Eastern, 0.017%; no homozygotes.

Submission:

GeneDx
Classification: Uncertain significance. Last evaluated: 2026-07-19. Review status: criteria provided, single submitter. Criteria: GeneDx Variant Classification Process June 2021. Collection method: clinical testing. Allele origin: germline.
Comment: Not observed at significant frequency in large population cohorts (gnomAD); In silico analysis suggests that this missense variant does not alter protein structure/function; Has not been previously published as pathogenic or benign to our knowledge

NM_182961.4(SYNE1):c.8072C>T (p.Ala2691Val)

Gene: SYNE1 (spectrin repeat containing nuclear envelope protein 1; minus strand). Cytogenetic location: 6q25.2.
Variant type: single nucleotide variant.
Coding change: c.8072C>T on transcript NM_182961.4 (MANE Select); coding-DNA position 8072, C replaced by T.
Protein change: p.Ala2691Val; replaces alanine 2691 with valine.
Molecular consequence: missense variant.
Genome position (GRCh38, 1-based): chr6:152,390,385, G>A on the plus strand (C>T on the coding strand, the complement: SYNE1 is on the minus strand). VCF-style: chr6-152390385-G-A. GRCh37 (hg19) VCF-style: chr6-152711520-G-A.
Other names: c.8093C>T, p.Ala2698Val (NM_033071.5); short protein forms A2698V, A2691V.
Identifiers: ClinVar variation 4795748 (VCV004795748.2).